The following is an entry in ClinVar:

NM_003470.3(USP7):c.1271+4A>G

Gene: USP7 (ubiquitin specific peptidase 7; minus strand). Cytogenetic location: 16p13.2.
Variant type: single nucleotide variant.
Coding change: c.1271+4A>G on transcript NM_003470.3 (MANE Select); 4 bases into the intron after coding-DNA position 1271, A replaced by G.
Molecular consequence: intron variant.
Genome position (GRCh38, 1-based): chr16:8,908,337, T>C on the plus strand (A>G on the coding strand, the complement: USP7 is on the minus strand). VCF-style: chr16-8908337-T-C. GRCh37 (hg19) VCF-style: chr16-9002194-T-C.
Other names: c.1097+4A>G (NM_001321858.2); c.1223+4A>G (NM_001286457.2); c.974+4A>G (NM_001286458.2).
Identifiers: ClinVar variation 4818947 (VCV004818947.1).

ClinVar aggregate classification (germline): Uncertain significance (1 of 4 stars; one submission).

Conditions:
Hao-Fountain syndrome due to USP7 mutation. Also called: USP7-Related Hao Fountain Syndrome. Identifiers: Orphanet 643538, MedGen C5816734, MONDO:0958071, OMIM 616863.

Submission:

Victorian Clinical Genetics Services, Murdoch Childrens Research Institute
Classification: Uncertain significance for Hao-Fountain syndrome due to USP7 mutation. Last evaluated: 2026-01-29. Review status: criteria provided, single submitter. Criteria: ACMG Guidelines, 2015. Collection method: clinical testing. Allele origin: germline. Affected: yes.
Comment: This variant is classified as VUS-3A. Evidence in support of pathogenic classification: Non-canonical splice site variant without proven consequence on splicing (no functional evidence available); Variant is absent from gnomAD (v2, v3 and v4); Abnormal splicing is predicted by in silico tool and affected nucleotide is highly conserved; Additional information: This variant is heterozygous; This gene is associated with autosomal dominant disease; This variant has no previous evidence of pathogenicity; No published evidence of segregation with disease has been identified for this variant; No published functional evidence has been identified for this variant; No comparable splice site variants have previous evidence for pathogenicity; Loss of function is a known mechanism of disease in this gene and is associated with Hao-Fountain syndrome (MIM#616863); Variants in this gene are known to have variable expressivity (OMIM).